The following is an entry in ClinVar:

ClinVar aggregate classification (germline): Uncertain significance (1 of 4 stars; one submission).

Conditions:
Cohen syndrome (COH1). Also called: Cutis verticis gyrata, retinitis pigmentosa, and sensorineural deafness; PEPPER SYNDROME. Identifiers: Orphanet 193, MedGen C0265223, MONDO:0008999, OMIM 216550.

Submission:

Labcorp Genetics (formerly Invitae), Labcorp
Classification: Uncertain significance for Cohen syndrome. Last evaluated: 2022-10-04. Review status: criteria provided, single submitter. Criteria: Invitae Variant Classification Sherloc (09022015). Collection method: clinical testing. Allele origin: germline.
Comment: In summary, the available evidence is currently insufficient to determine the role of this variant in disease. Therefore, it has been classified as a Variant of Uncertain Significance. ClinVar contains an entry for this variant (Variation ID: 1380068). Advanced modeling of protein sequence and biophysical properties (such as structural, functional, and spatial information, amino acid conservation, physicochemical variation, residue mobility, and thermodynamic stability) performed at Invitae indicates that this missense variant is expected to disrupt VPS13B protein function. This sequence change replaces alanine, which is neutral and non-polar, with proline, which is neutral and non-polar, at codon 3529 of the VPS13B protein (p.Ala3529Pro). This variant has not been reported in the literature in individuals affected with VPS13B-related conditions. This variant is not present in population databases (gnomAD no frequency).

NM_152564.5(VPS13B):c.10510G>C (p.Ala3504Pro)

Gene: VPS13B (vacuolar protein sorting 13 homolog B; plus strand). Cytogenetic location: 8q22.2.
Variant type: single nucleotide variant.
Coding change: c.10510G>C on transcript NM_152564.5 (MANE Select); coding-DNA position 10510, G replaced by C.
Protein change: p.Ala3504Pro; replaces alanine 3504 with proline.
Molecular consequence: missense variant.
Genome position (GRCh38, 1-based): chr8:99,853,899, G>C. VCF-style: chr8-99853899-G-C. GRCh37 (hg19) VCF-style: chr8-100866127-G-C.
Other names: c.10585G>C, p.Ala3529Pro (NM_017890.5); short protein forms A3504P, A3529P.
Identifiers: ClinVar variation 1380068 (VCV001380068.8), dbSNP rs2130917686, ClinGen allele CA371783511.
Genomic context (GRCh38, chr8:99,853,899, plus strand): 5'-TTAAATGAAGGCAAGAGCATCCTCTGTGATATTAATGAGTTCAGCTTTGAATTAAAACCT[G>C]CTCGGTTATACGTGGAAGACACATTTGTATACTACATCAAGACTTTGTTTGACACCTACC-3'
Protein context (NP_689777.3, residues 3494-3514): INEFSFELKP[Ala3504Pro]RLYVEDTFVY